The following is an entry in ClinVar:

ClinVar aggregate classification (germline): Likely benign. Review status: criteria provided, multiple submitters, no conflicts (2 of 4 stars). 2 submissions from 2 submitters: Likely benign (2). Last evaluated 2026-01-28.

Allele frequency attached by ClinVar (database versions not stated): gnomAD exomes 0.00001; TOPMed 0.00001.
gnomAD v4.1: 9 of 1,570,416 alleles (0.00057%); highest among the groups gnomAD compares: Non-Finnish European, 0.00052%; no homozygotes.

Submissions (2):

Labcorp Genetics (formerly Invitae), Labcorp
Classification: Likely benign. Last evaluated: 2026-01-28. Review status: criteria provided, single submitter. Criteria: Invitae Variant Classification Sherloc (09022015). Collection method: clinical testing. Allele origin: germline.

CeGaT Center for Human Genetics Tuebingen
Classification: Likely benign. Last evaluated: 2024-02-01. Review status: criteria provided, single submitter. Criteria: CeGaT Center For Human Genetics Tuebingen Variant Classification Criteria Version 2. Collection method: clinical testing. Allele origin: germline. Affected: yes. Observed: 1 variant allele.
Comment: TRAPPC9: BP4, BP7

NM_001160372.4(TRAPPC9):c.3027G>A (p.Glu1009=)

Gene: TRAPPC9 (trafficking protein particle complex subunit 9; minus strand). Cytogenetic location: 8q24.3.
Variant type: single nucleotide variant.
Coding change: c.3027G>A on transcript NM_001160372.4 (MANE Select); coding-DNA position 3027, G replaced by A.
Protein change: p.Glu1009=; no amino-acid change (glutamic acid 1009 retained).
Molecular consequence: synonymous variant. On other transcripts: non-coding transcript variant (1).
Genome position (GRCh38, 1-based): chr8:139,885,907, C>T on the plus strand (G>A on the coding strand, the complement: TRAPPC9 is on the minus strand). VCF-style: chr8-139885907-C-T. GRCh37 (hg19) VCF-style: chr8-140898151-C-T.
Other names: c.3000G>A, p.Glu1000= (NM_001321646.2); c.3048G>A, p.Glu1016= (NM_001374682.1); c.2916G>A, p.Glu972= (NM_001374683.1); c.2883G>A, p.Glu961= (NM_001374684.1); c.3027G>A, p.Glu1009= (NM_031466.8).
Identifiers: ClinVar variation 1644615 (VCV001644615.30), dbSNP rs957952038, ClinGen allele CA187219381.
Genomic context (GRCh38, chr8:139,885,907, plus strand): 5'-CCAGAATCGATGGGTGGCTGGCGGGTACTCACCCCACTGCAGAGGCGCCAGCTGCAGGTG[C>T]TCCAGGACGAGCTGGTTCAGGAGTCCTTCCACACTCGCCTCGCCACTGCGCTTCAGGGAG-3'
Protein context (NP_001153844.1, residues 999-1019): VEGLLNQLVL[Glu1009=]HLQLAPLQWD